The following is an entry in ClinVar:

NM_000454.5(SOD1):c.423T>A (p.Ala141=)

Gene: SOD1 (superoxide dismutase 1; plus strand). Cytogenetic location: 21q22.11.
Variant type: single nucleotide variant.
Coding change: c.423T>A on transcript NM_000454.5 (MANE Select); coding-DNA position 423, T replaced by A.
Protein change: p.Ala141=; no amino-acid change (alanine 141 retained).
Molecular consequence: synonymous variant.
Genome position (GRCh38, 1-based): chr21:31,668,536, T>A. VCF-style: chr21-31668536-T-A. GRCh37 (hg19) VCF-style: chr21-33040849-T-A.
Identifiers: ClinVar variation 339669 (VCV000339669.58), dbSNP rs143100660, ClinGen allele CA9998983.

ClinVar aggregate classification (germline): Benign/Likely benign. Review status: criteria provided, multiple submitters, no conflicts (2 of 4 stars). 11 submissions from 11 submitters: Benign (2); Likely benign (5). 4 of the submissions do not count toward it. Last evaluated 2026-01-27.

Conditions:
SOD1-related disorder. Also called: SOD1-related condition.
Amyotrophic lateral sclerosis type 1 (ALS1). Also called: AMYOTROPHIC LATERAL SCLEROSIS 1, FAMILIAL. Identifiers: Orphanet 803, MedGen C1862939, MONDO:0007103, OMIM 105400.
Inborn genetic diseases. Identifiers: MedGen C0950123, MeSH D030342.

Allele frequency attached by ClinVar (database versions not stated): ESP Exome Variant Server 0.00031; gnomAD 0.00033 and 0.00034; gnomAD exomes 0.00036 and 0.00043; TOPMed 0.00037; 1000 Genomes Project 0.00040; ExAC 0.00046; 1000 Genomes Project 30x 0.00078.
gnomAD v4.1: 590 of 1,614,006 alleles (0.037%); highest among the groups gnomAD compares: Middle Eastern, 0.38%; no homozygotes.

Submissions (11):

Labcorp Genetics (formerly Invitae), Labcorp
Classification: Benign for Amyotrophic lateral sclerosis type 1. Last evaluated: 2026-01-27. Review status: criteria provided, single submitter. Criteria: Invitae Variant Classification Sherloc (09022015). Collection method: clinical testing. Allele origin: germline.

Athena Diagnostics
Classification: Benign. Last evaluated: 2024-05-14. Review status: criteria provided, single submitter. Criteria: Athena Diagnostics Criteria. Collection method: clinical testing. Allele origin: unknown.

Ambry Genetics
Classification: Likely benign for Inborn genetic diseases. Last evaluated: 2022-07-29. Review status: criteria provided, single submitter. Criteria: Ambry Variant Classification Scheme 2023. Collection method: clinical testing. Allele origin: germline.

CeGaT Center for Human Genetics Tuebingen
Classification: Likely benign. Last evaluated: 2021-03-01. Review status: criteria provided, single submitter. Criteria: CeGaT Center For Human Genetics Tuebingen Variant Classification Criteria Version 2. Collection method: clinical testing. Allele origin: germline. Affected: yes. Observed: 1 variant allele.

GeneDx
Classification: Likely benign. Last evaluated: 2020-05-13. Review status: criteria provided, single submitter. Criteria: GeneDx Variant Classification Process June 2021. Collection method: clinical testing. Allele origin: germline. Affected: yes.
Comment: This variant is associated with the following publications: (PMID: 16674979, 23949607, 8938700, 19363716, 28620717, 27884173)

Illumina Laboratory Services, Illumina
Classification: Likely benign for Amyotrophic lateral sclerosis type 1. Last evaluated: 2017-04-27. Review status: criteria provided, single submitter. Criteria: ICSL Variant Classification Criteria 13 December 2019. Collection method: clinical testing. Allele origin: germline.
Comment: This variant was observed as part of a predisposition screen in an ostensibly healthy population. A literature search was performed for the gene, cDNA change, and amino acid change (where applicable). Publications were found based on this search. The evidence from the literature, in combination with allele frequency data from public databases where available, was sufficient to determine this variant is unlikely to cause disease. Therefore, this variant is classified as likely benign.

Breakthrough Genomics
Classification: Likely benign. Review status: criteria provided, single submitter. Criteria: ACMG Guidelines, 2015. Collection method: not provided. Allele origin: germline. Inheritance: Autosomal recessive inheritance. Affected: yes.

PreventionGenetics, part of Exact Sciences
Classification: Likely benign for SOD1-related condition. Last evaluated: 2021-09-24. Review status: no assertion criteria provided. Collection method: clinical testing. Allele origin: germline. Not counted in ClinVar's aggregate classification.
Comment: This variant is classified as likely benign based on ACMG/AMP sequence variant interpretation guidelines (Richards et al. 2015 PMID: 25741868, with internal and published modifications).

Clinical Genetics DNA and cytogenetics Diagnostics Lab, Erasmus MC, Erasmus Medical Center
Classification: Likely benign. Review status: no assertion criteria provided. Collection method: clinical testing. Allele origin: germline. Affected: yes. Study: VKGL Data-share Consensus. Not counted in ClinVar's aggregate classification.

Genome Diagnostics Laboratory, Amsterdam University Medical Center
Classification: Likely benign. Review status: no assertion criteria provided. Collection method: clinical testing. Allele origin: germline. Affected: yes. Study: VKGL Data-share Consensus. Not counted in ClinVar's aggregate classification.

Genome Diagnostics Laboratory, University Medical Center Utrecht
Classification: Likely benign. Review status: no assertion criteria provided. Collection method: clinical testing. Allele origin: germline. Affected: yes. Study: VKGL Data-share Consensus. Not counted in ClinVar's aggregate classification.

Literature cited by the submitters: PubMed 21603025 (cited by Athena Diagnostics and Illumina Laboratory Services, Illumina); PubMed 9365366 (cited by Athena Diagnostics and Illumina Laboratory Services, Illumina); PubMed 14506936 (cited by Athena Diagnostics and Illumina Laboratory Services, Illumina); PubMed 16674979 (cited by Athena Diagnostics and Illumina Laboratory Services, Illumina); PubMed 19363716 (cited by Athena Diagnostics and Illumina Laboratory Services, Illumina); PubMed 8938700 (cited by Athena Diagnostics and Illumina Laboratory Services, Illumina); PubMed 27884173 (cited by Athena Diagnostics); PubMed 23949607 (cited by Athena Diagnostics and Illumina Laboratory Services, Illumina); PubMed 28620717 (cited by Athena Diagnostics); PubMed 18504130 (cited by Illumina Laboratory Services, Illumina).